The following is an entry in ClinVar:

NM_020919.4(ALS2):c.601C>T (p.Arg201Ter)

Gene: ALS2 (alsin Rho guanine nucleotide exchange factor ALS2; minus strand). Cytogenetic location: 2q33.1.
Variant type: single nucleotide variant.
Coding change: c.601C>T on transcript NM_020919.4 (MANE Select); coding-DNA position 601, C replaced by T.
Protein change: p.Arg201Ter; replaces arginine 201 with a stop codon.
Molecular consequence: nonsense.
Genome position (GRCh38, 1-based): chr2:201,761,393, G>A on the plus strand (C>T on the coding strand, the complement: ALS2 is on the minus strand). VCF-style: chr2-201761393-G-A. GRCh37 (hg19) VCF-style: chr2-202626116-G-A.
Other names: c.601C>T, p.Arg201Ter (NM_001135745.2); short protein forms R201*.
Identifiers: ClinVar variation 804392 (VCV000804392.10), dbSNP rs1574787779, ClinGen allele CA350328505.

ClinVar aggregate classification (germline): Pathogenic/Likely pathogenic. Review status: criteria provided, multiple submitters, no conflicts (2 of 4 stars). 5 submissions from 5 submitters: Pathogenic (3); Likely pathogenic (1). 1 of the submissions does not count toward it. Last evaluated 2025-03-10.

Conditions:
Amyotrophic lateral sclerosis type 2, juvenile. Also called: Amyotrophic lateral sclerosis type 2; ALS, JUVENILE. Identifiers: Orphanet 300605, MedGen C1859807, MONDO:0008780, OMIM 205100.
Infantile-onset ascending hereditary spastic paralysis (IAHSP). Also called: Infantile-Onset Ascending Hereditary Spastic Paralysis (IAHSP); Autosomal Recessive Juvenile Amyotrophic Lateral Sclerosis. Identifiers: Orphanet 293168, MedGen C2931441, MONDO:0011797, OMIM 607225. Disease mechanism: loss of function.
Juvenile primary lateral sclerosis (PLSJ). Also called: Juvenile Primary Lateral Sclerosis (JPLS). Identifiers: Orphanet 247604, MedGen C1853396, MONDO:0011663, OMIM 606353.

Allele frequency attached by ClinVar (database versions not stated): gnomAD exomes below 0.00001; TOPMed 0.00001.

Submissions (5):

3billion
Classification: Pathogenic for Amyotrophic lateral sclerosis type 2, juvenile. Last evaluated: 2025-03-10. Review status: criteria provided, single submitter. Criteria: ACMG Guidelines, 2015. Collection method: clinical testing. Allele origin: germline. Affected: yes.
Comment: The variant is observed at an extremely low frequency in the gnomAD v4.1.0 dataset (total allele frequency: <0.001%). Predicted Consequence/Location: Stop-gained (nonsense): predicted to result in a loss or disruption of normal protein function through nonsense-mediated decay (NMD) or protein truncation. Multiple pathogenic variants are reported downstream of the variant. The variant has been reported at least twice as pathogenic with clinical assertions and evidence for the classification (ClinVar ID: VCV000804392 / PMID: 33098801). Therefore, this variant is classified as Pathogenic according to the recommendation of ACMG/AMP guideline.

Hadassah Hebrew University Medical Center
Classification: Likely pathogenic for Amyotrophic lateral sclerosis type 2, juvenile; Juvenile primary lateral sclerosis; Infantile-onset ascending hereditary spastic paralysis. Last evaluated: 2019-06-20. Review status: criteria provided, single submitter. Criteria: ACMG Guidelines, 2015. Collection method: clinical testing. Allele origin: germline. Inheritance: Autosomal recessive inheritance. Affected: yes.

Institute of Human Genetics Munich, TUM University Hospital
Classification: Pathogenic for Infantile-onset ascending hereditary spastic paralysis. Last evaluated: 2018-01-15. Review status: criteria provided, single submitter. Criteria: Classification criteria August 2017. Collection method: clinical testing. Allele origin: inherited. Inheritance: Autosomal recessive inheritance. Affected: yes. Observed: 1 homozygote.

Paris Brain Institute, Inserm - ICM
Classification: Pathogenic for Infantile-onset ascending hereditary spastic paralysis. Review status: criteria provided, single submitter. Criteria: ACMG Guidelines, 2015. Collection method: clinical testing. Allele origin: unknown. Affected: yes. Observed: 2 variant alleles.

Section for Clinical Neurogenetics, University of Tübingen
Classification: Likely pathogenic for Amyotrophic lateral sclerosis type 2, juvenile. Last evaluated: 2019-08-01. Review status: no assertion criteria provided. Collection method: research. Allele origin: germline. Affected: yes. Not counted in ClinVar's aggregate classification.

Literature cited by the submitters: PubMed 33098801 (cited by 3billion); PubMed 32214227 (cited by Section for Clinical Neurogenetics, University of Tübingen).